The following is an entry in ClinVar:

NM_000238.4(KCNH2):c.2626G>T (p.Glu876Ter)

Gene: KCNH2 (potassium voltage-gated channel subfamily H member 2; minus strand). Cytogenetic location: 7q36.1.
Variant type: single nucleotide variant.
Coding change: c.2626G>T on transcript NM_000238.4 (MANE Select); coding-DNA position 2626, G replaced by T.
Protein change: p.Glu876Ter; replaces glutamic acid 876 with a stop codon.
Molecular consequence: nonsense.
Genome position (GRCh38, 1-based): chr7:150,948,510, C>A on the plus strand (G>T on the coding strand, the complement: KCNH2 is on the minus strand). VCF-style: chr7-150948510-C-A. GRCh37 (hg19) VCF-style: chr7-150645598-C-A.
Other names: c.1606G>T, p.Glu536Ter (NM_172057.3); short protein forms E536*, E876*.
Identifiers: ClinVar variation 488692 (VCV000488692.10), dbSNP rs1554424688, ClinGen allele CA369853830.
Genomic context (GRCh38, chr7:150,948,510, plus strand): 5'-CCGTGCGCCTGCGGAAGGACAACTTGCGCTTGCGTTGCCGACTGAAGCCACCCTCTAACT[C>A]CGTACTGCCGGGGGAGCCCGGGATCATGTTGGTCTGGAACCAAAATCAGTATCAGGGCCC-3'

ClinVar aggregate classification (germline): Pathogenic. Review status: criteria provided, multiple submitters, no conflicts (2 of 4 stars). 2 submissions from 2 submitters: Pathogenic (2). Last evaluated 2025-06-03.

Conditions:
Long QT syndrome (LQTS). Identifiers: MedGen C0023976, MeSH D008133, MONDO:0002442. Disease mechanism: loss of function. Inheritance: Various modes of inheritance.

Submissions (2):

Labcorp Genetics (formerly Invitae), Labcorp
Classification: Pathogenic for Long QT syndrome. Last evaluated: 2025-06-03. Review status: criteria provided, single submitter. Criteria: Invitae Variant Classification Sherloc (09022015). Collection method: clinical testing. Allele origin: germline.
Comment: This sequence change creates a premature translational stop signal (p.Glu876*) in the KCNH2 gene. It is expected to result in an absent or disrupted protein product. Loss-of-function variants in KCNH2 are known to be pathogenic (PMID: 10973849, 19862833). This variant is not present in population databases (gnomAD no frequency). This premature translational stop signal has been observed in individual(s) with long QT syndrome (PMID: 15840476, 29214556). ClinVar contains an entry for this variant (Variation ID: 488692). Algorithms developed to predict the effect of sequence changes on RNA splicing suggest that this variant may disrupt the consensus splice site. For these reasons, this variant has been classified as Pathogenic.

GeneDx
Classification: Pathogenic. Last evaluated: 2022-07-05. Review status: criteria provided, single submitter. Criteria: GeneDx Variant Classification Process June 2021. Collection method: clinical testing. Allele origin: germline. Affected: yes.
Comment: Not observed at significant frequency in large population cohorts (gnomAD); Nonsense variant predicted to result in protein truncation or nonsense mediated decay in a gene for which loss-of-function is a known mechanism of disease; This variant is associated with the following publications: (PMID: 25525159, 19841300, 29214556, 21185501, 19926013, 21440677, 15840476)

Literature cited by the submitters: PubMed 10973849 (cited by Labcorp Genetics (formerly Invitae), Labcorp); PubMed 19862833 (cited by Labcorp Genetics (formerly Invitae), Labcorp); PubMed 15840476 (cited by Labcorp Genetics (formerly Invitae), Labcorp); PubMed 29214556 (cited by Labcorp Genetics (formerly Invitae), Labcorp).